The following is an entry in ClinVar:

ClinVar aggregate classification (germline): Likely benign. Review status: criteria provided, multiple submitters, no conflicts (2 of 4 stars). 2 submissions from 2 submitters: Likely benign (2). Last evaluated 2017-03-19.

Allele frequency attached by ClinVar (database versions not stated): gnomAD 0.00163; 1000 Genomes Project 30x 0.00187; TOPMed 0.00223; ExAC below 0.00001; gnomAD exomes 0.00028.

Submissions (2):

GeneDx
Classification: Likely benign. Last evaluated: 2017-03-19. Review status: criteria provided, single submitter. Criteria: GeneDx Variant Classification (06012015). Collection method: clinical testing. Allele origin: germline. Affected: yes.
Comment: This variant is considered likely benign or benign based on one or more of the following criteria: it is a conservative change, it occurs at a poorly conserved position in the protein, it is predicted to be benign by multiple in silico algorithms, and/or has population frequency not consistent with disease.

Breakthrough Genomics
Classification: Likely benign. Review status: criteria provided, single submitter. Criteria: ACMG Guidelines, 2015. Collection method: not provided. Allele origin: germline. Inheritance: Autosomal recessive inheritance. Affected: yes.

NM_001034850.2(RETREG1):c.-27C>G

Genes: RETREG1 (reticulophagy regulator 1; minus strand), RETREG1-AS1 (RETREG1 antisense RNA 1; plus strand), LOC129993734 (ATAC-STARR-seq lymphoblastoid silent region 15947; plus strand). Cytogenetic location: 5p15.1.
Variant type: single nucleotide variant.
Coding change: c.-27C>G on transcript NM_001034850.2; 27 bases upstream of the start codon, C replaced by G.
Genome position (GRCh38, 1-based): chr5:16,616,998, G>C on the plus strand (C>G on the coding strand, the complement: RETREG1 is on the minus strand). VCF-style: chr5-16616998-G-C. GRCh37 (hg19) VCF-style: chr5-16617107-G-C.
Identifiers: ClinVar variation 517803 (VCV000517803.4), dbSNP rs747258522, ClinGen allele CA3210556.